The following is an entry in ClinVar:

ClinVar aggregate classification (germline): Benign/Likely benign. Review status: criteria provided, multiple submitters, no conflicts (2 of 4 stars). 3 submissions from 3 submitters: Benign (1); Likely benign (2). Last evaluated 2024-03-25.

Conditions:
Hereditary cancer-predisposing syndrome. Also called: Hereditary neoplastic syndrome; Hereditary Cancer Syndrome; Tumor predisposition; Neoplastic Syndromes, Hereditary. Identifiers: Orphanet 140162, MedGen C0027672, MeSH D009386, MONDO:0015356.
Familial adenomatous polyposis 1 (FAP1). Also called: FAMILIAL ADENOMATOUS POLYPOSIS 1, ATTENUATED; POLYPOSIS, ADENOMATOUS INTESTINAL. Identifiers: MedGen C2713442, MONDO:0021056, OMIM 175100. Disease mechanism: loss of function.

Submissions (3):

Myriad Genetics, Inc.
Classification: Benign for Familial adenomatous polyposis 1. Last evaluated: 2024-03-25. Review status: criteria provided, single submitter. Criteria: Myriad Autosomal Dominant, Autosomal Recessive and X-Linked Classification Criteria (2023). Collection method: clinical testing. Allele origin: unknown.
Comment: This variant is considered benign. This variant is a silent/synonymous amino acid change and it is not expected to impact splicing.

Ambry Genetics
Classification: Likely benign for Hereditary cancer-predisposing syndrome. Last evaluated: 2020-12-11. Review status: criteria provided, single submitter. Criteria: Ambry Variant Classification Scheme 2023. Collection method: clinical testing. Allele origin: germline.

Labcorp Genetics (formerly Invitae), Labcorp
Classification: Likely benign for Familial adenomatous polyposis 1. Last evaluated: 2020-06-28. Review status: criteria provided, single submitter. Criteria: Invitae Variant Classification Sherloc (09022015). Collection method: clinical testing. Allele origin: germline.

NM_000038.6(APC):c.4041C>A (p.Ala1347=)

Gene: APC (APC regulator of Wnt signaling pathway; plus strand). Cytogenetic location: 5q22.2.
Variant type: single nucleotide variant.
Coding change: c.4041C>A on transcript NM_000038.6 (MANE Select); coding-DNA position 4041, C replaced by A.
Protein change: p.Ala1347=; no amino-acid change (alanine 1347 retained).
Molecular consequence: synonymous variant.
Genome position (GRCh38, 1-based): chr5:112,839,635, C>A. VCF-style: chr5-112839635-C-A. GRCh37 (hg19) VCF-style: chr5-112175332-C-A.
Other names: c.4041C>A, p.Ala1347= (NM_001127510.3, NM_001354895.2); c.3987C>A, p.Ala1329= (NM_001127511.3); c.4095C>A, p.Ala1365= (NM_001354896.2); c.4071C>A, p.Ala1357= (NM_001354897.2); c.3966C>A, p.Ala1322= (NM_001354898.2); c.3957C>A, p.Ala1319= (NM_001354899.2); c.3918C>A, p.Ala1306= (NM_001354900.2); c.3864C>A, p.Ala1288= (NM_001354901.2); and 5 more.
Identifiers: ClinVar variation 1136564 (VCV001136564.12), dbSNP rs2149904805, ClinGen allele CA445964062.